The following is an entry in ClinVar:

NM_001080517.3(SETD5):c.3520C>T (p.Arg1174Ter)

Gene: SETD5 (SET domain containing 5; plus strand). Cytogenetic location: 3p25.3.
Variant type: single nucleotide variant.
Coding change: c.3520C>T on transcript NM_001080517.3 (MANE Select); coding-DNA position 3520, C replaced by T.
Protein change: p.Arg1174Ter; replaces arginine 1174 with a stop codon.
Molecular consequence: nonsense.
Genome position (GRCh38, 1-based): chr3:9,474,471, C>T. VCF-style: chr3-9474471-C-T. GRCh37 (hg19) VCF-style: chr3-9516155-C-T.
Other names: c.3226C>T, p.Arg1076Ter (NM_001292043.2, NM_001349451.2); short protein forms R1174*, R1076*.
Identifiers: ClinVar variation 620570 (VCV000620570.9), dbSNP rs1559496157, ClinGen allele CA351688886.

ClinVar aggregate classification (germline): Pathogenic/Likely pathogenic. Review status: criteria provided, multiple submitters, no conflicts (2 of 4 stars). 6 submissions from 6 submitters: Pathogenic (2); Likely pathogenic (2). 2 of the submissions do not count toward it. Last evaluated 2026-07-24.

Conditions:
SETD5-related disorder. Also called: SETD5-related disorders; SETD5-related condition.
Intellectual disability-facial dysmorphism syndrome due to SETD5 haploinsufficiency (MRD23). Also called: Intellectual developmental disorder, autosomal dominant 23. Identifiers: Orphanet 404440, MedGen C3810406, MONDO:0014336, OMIM 615761.

Submissions (6):

GeneDx
Classification: Pathogenic. Last evaluated: 2026-07-24. Review status: criteria provided, single submitter. Criteria: GeneDx Variant Classification Process June 2021. Collection method: clinical testing. Allele origin: germline.
Comment: Nonsense variant predicted to result in protein truncation or nonsense mediated decay in a gene for which loss of function is a known mechanism of disease; Not observed at significant frequency in large population cohorts (gnomAD); This variant is associated with the following publications: (PMID: 39843441, 42111309, 33004838, 28191889, 39829082)

3billion
Classification: Pathogenic for Intellectual disability-facial dysmorphism syndrome due to SETD5 haploinsufficiency. Last evaluated: 2025-12-15. Review status: criteria provided, single submitter. Criteria: ACMG Guidelines, 2015. Collection method: clinical testing. Allele origin: germline. Affected: yes.
Comment: The variant is not observed in the gnomAD v4.1.0 dataset. Predicted Consequence/Location: Stop-gained (nonsense): predicted to result in a loss or disruption of normal protein function through nonsense-mediated decay (NMD) or protein truncation. Multiple pathogenic variants are reported downstream of the variant. The variant has been reported at least twice as pathogenic without evidence for the classification (ClinVar ID: VCV000620570 /3billion dataset). Therefore, this variant is classified as Pathogenic according to the recommendation of ACMG/AMP guideline.

Blueprint Genetics
Classification: Likely pathogenic for SETD5-related disorders. Last evaluated: 2024-09-23. Review status: criteria provided, single submitter. Criteria: ACMG Guidelines, 2015. Collection method: clinical testing. Allele origin: germline. Affected: yes. Observed: 1 variant allele.

Laboratorio de Genetica e Diagnostico Molecular, Hospital Israelita Albert Einstein
Classification: Likely pathogenic for Intellectual disability-facial dysmorphism syndrome due to SETD5 haploinsufficiency. Last evaluated: 2024-06-13. Review status: criteria provided, single submitter. Criteria: ACMG Guidelines, 2015. Collection method: clinical testing. Allele origin: germline. Affected: yes.
Comment: ACMG classification criteria: PVS1 very strong, PM2 supporting

Genome Diagnostics Laboratory, University Medical Center Utrecht
Classification: Pathogenic. Review status: no assertion criteria provided. Collection method: clinical testing. Allele origin: germline. Affected: yes. Study: VKGL Data-share Consensus. Not counted in ClinVar's aggregate classification.

Joint Genome Diagnostic Labs from Nijmegen and Maastricht, Radboudumc and MUMC+
Classification: Likely pathogenic. Review status: no assertion criteria provided. Collection method: clinical testing. Allele origin: germline. Affected: yes. Study: VKGL Data-share Consensus. Not counted in ClinVar's aggregate classification.